The following is an entry in ClinVar:

ClinVar aggregate classification (germline): Likely pathogenic (1 of 4 stars; one submission).

Allele frequency attached by ClinVar (database versions not stated): TOPMed below 0.00001; ExAC 0.00001; gnomAD exomes 0.00001.
gnomAD v4.1: 9 of 1,569,470 alleles (0.00057%); highest among the groups gnomAD compares: Non-Finnish European, 0.00078%; no homozygotes.

Submission:

Labcorp Genetics (formerly Invitae), Labcorp
Classification: Likely pathogenic. Last evaluated: 2022-09-01. Review status: criteria provided, single submitter. Criteria: Invitae Variant Classification Sherloc (09022015). Collection method: clinical testing. Allele origin: germline.
Comment: In summary, the currently available evidence indicates that the variant is pathogenic, but additional data are needed to prove that conclusively. Therefore, this variant has been classified as Likely Pathogenic. Studies have shown that this variant is associated with altered splicing resulting in multiple RNA products (PMID: 28633435). This variant has been observed in individual(s) with Charcot-Marie-Tooth disease (PMID: 28633435). In at least one individual the data is consistent with being in trans (on the opposite chromosome) from a pathogenic variant. The frequency data for this variant in the population databases is considered unreliable, as metrics indicate poor data quality at this position in the gnomAD database. This sequence change affects codon 619 of the MCM3AP mRNA. It is a 'silent' change, meaning that it does not change the encoded amino acid sequence of the MCM3AP protein. It affects a nucleotide within the consensus splice site.

Literature cited by the submitters: PubMed 28633435.

NM_003906.5(MCM3AP):c.1857A>G (p.Gln619=)

Gene: MCM3AP (minichromosome maintenance complex component 3 associated protein; minus strand). Cytogenetic location: 21q22.3.
Variant type: single nucleotide variant.
Coding change: c.1857A>G on transcript NM_003906.5 (MANE Select); coding-DNA position 1857, A replaced by G.
Protein change: p.Gln619=; no amino-acid change (glutamine 619 retained).
Molecular consequence: synonymous variant.
Genome position (GRCh38, 1-based): chr21:46,277,528, T>C on the plus strand (A>G on the coding strand, the complement: MCM3AP is on the minus strand). VCF-style: chr21-46277528-T-C. GRCh37 (hg19) VCF-style: chr21-47697442-T-C.
Identifiers: ClinVar variation 2138409 (VCV002138409.4), dbSNP rs766601997, ClinGen allele CA10076970.